The following is an entry in ClinVar:

NM_005932.4(MIPEP):c.804T>C (p.Tyr268=)

Gene: MIPEP (mitochondrial intermediate peptidase; minus strand). Cytogenetic location: 13q12.12.
Variant type: single nucleotide variant.
Coding change: c.804T>C on transcript NM_005932.4 (MANE Select); coding-DNA position 804, T replaced by C.
Protein change: p.Tyr268=; no amino-acid change (tyrosine 268 retained).
Molecular consequence: synonymous variant.
Genome position (GRCh38, 1-based): chr13:23,869,431, A>G on the plus strand (T>C on the coding strand, the complement: MIPEP is on the minus strand). VCF-style: chr13-23869431-A-G. GRCh37 (hg19) VCF-style: chr13-24443570-A-G.
Identifiers: ClinVar variation 787177 (VCV000787177.34), dbSNP rs144652846, ClinGen allele CA6913192.

ClinVar aggregate classification (germline): Benign/Likely benign. Review status: criteria provided, multiple submitters, no conflicts (2 of 4 stars). 4 submissions from 4 submitters: Benign (2); Likely benign (2). Last evaluated 2026-04-01.

Allele frequency attached by ClinVar (database versions not stated): 1000 Genomes Project 0.00100; 1000 Genomes Project 30x 0.00109; gnomAD 0.00144 and 0.00151; ExAC 0.00154; TOPMed 0.00184; gnomAD exomes 0.00196; ESP Exome Variant Server 0.00200.
gnomAD v4.1: 3,482 of 1,606,924 alleles (0.22%); highest among the groups gnomAD compares: Middle Eastern, 1.1%; 6 homozygotes.

Submissions (4):

CeGaT Center for Human Genetics Tuebingen
Classification: Likely benign. Last evaluated: 2026-04-01. Review status: criteria provided, single submitter. Criteria: CeGaT Center For Human Genetics Tuebingen Variant Classification Criteria Version 2. Collection method: clinical testing. Allele origin: germline. Affected: yes. Observed: 7 variant alleles.
Comment: MIPEP: BP4, BP7

Labcorp Genetics (formerly Invitae), Labcorp
Classification: Benign. Last evaluated: 2026-01-05. Review status: criteria provided, single submitter. Criteria: Invitae Variant Classification Sherloc (09022015). Collection method: clinical testing. Allele origin: germline.

Blueprint Genetics
Classification: Likely benign. Last evaluated: 2024-11-15. Review status: criteria provided, single submitter. Criteria: ACMG Guidelines, 2015. Collection method: clinical testing. Allele origin: germline.

Breakthrough Genomics
Classification: Benign. Review status: criteria provided, single submitter. Criteria: ACMG Guidelines, 2015. Collection method: not provided. Allele origin: germline. Inheritance: Autosomal recessive inheritance. Affected: yes.